The following is an entry in ClinVar:

NM_000090.4(COL3A1):c.3940C>T (p.His1314Tyr)

Gene: COL3A1 (collagen type III alpha 1 chain; plus strand). Cytogenetic location: 2q32.2.
Variant type: single nucleotide variant.
Coding change: c.3940C>T on transcript NM_000090.4 (MANE Select); coding-DNA position 3940, C replaced by T.
Protein change: p.His1314Tyr; replaces histidine 1314 with tyrosine.
Molecular consequence: missense variant.
Genome position (GRCh38, 1-based): chr2:189,010,294, C>T. VCF-style: chr2-189010294-C-T. GRCh37 (hg19) VCF-style: chr2-189875020-C-T.
Other names: short protein forms H1314Y.
Identifiers: ClinVar variation 927412 (VCV000927412.4), dbSNP rs1688692678, ClinGen allele CA349848683.

ClinVar aggregate classification (germline): Uncertain significance (1 of 4 stars; one submission).

Conditions:
Familial thoracic aortic aneurysm and aortic dissection (TAAD). Also called: Thoracic aortic aneurysms and dissections. Identifiers: Orphanet 91387, MedGen C4707243, MONDO:0019625.

Allele frequency attached by ClinVar (database versions not stated): gnomAD exomes below 0.00001.
gnomAD v4.1: 4 of 1,614,174 alleles (0.00025%); highest among the groups gnomAD compares: East Asian, 0.0022%; no homozygotes.

Submission:

Color Diagnostics, LLC DBA Color Health
Classification: Uncertain significance for Familial thoracic aortic aneurysm and aortic dissection. Last evaluated: 2023-12-04. Review status: criteria provided, single submitter. Criteria: ACMG Guidelines, 2015. Collection method: clinical testing. Allele origin: germline.
Comment: This missense variant replaces histidine with tyrosine at codon 1314 of the COL3A1 protein. Computational prediction suggests that this variant may not impact protein structure and function (internally defined REVEL score threshold <= 0.5, PMID: 27666373). To our knowledge, functional studies have not been reported for this variant. This variant has not been reported in individuals affected with COL3A1-related disorders in the literature. This variant has not been identified in the general population by the Genome Aggregation Database (gnomAD). The available evidence is insufficient to determine the role of this variant in disease conclusively. Therefore, this variant is classified as a Variant of Uncertain Significance.